The following is an entry in ClinVar:

ClinVar aggregate classification (germline): Likely benign. Review status: criteria provided, multiple submitters, no conflicts (2 of 4 stars). 3 submissions from 3 submitters: Likely benign (3). Last evaluated 2025-10-24.

Allele frequency attached by ClinVar (database versions not stated): ESP Exome Variant Server 0.00008; gnomAD exomes 0.00016 and 0.00023; ExAC 0.00017; gnomAD 0.00032 and 0.00039; TOPMed 0.00043.
gnomAD v4.1: 311 of 1,614,068 alleles (0.019%); highest among the groups gnomAD compares: Middle Eastern, 0.23%; no homozygotes.

Submissions (3):

Labcorp Genetics (formerly Invitae), Labcorp
Classification: Likely benign. Last evaluated: 2025-10-24. Review status: criteria provided, single submitter. Criteria: Invitae Variant Classification Sherloc (09022015). Collection method: clinical testing. Allele origin: germline.

Blueprint Genetics
Classification: Likely benign. Last evaluated: 2024-10-28. Review status: criteria provided, single submitter. Criteria: ACMG Guidelines, 2015. Collection method: clinical testing. Allele origin: germline.

CeGaT Center for Human Genetics Tuebingen
Classification: Likely benign. Last evaluated: 2023-02-01. Review status: criteria provided, single submitter. Criteria: CeGaT Center For Human Genetics Tuebingen Variant Classification Criteria Version 2. Collection method: clinical testing. Allele origin: germline. Affected: yes. Observed: 1 variant allele.
Comment: VAC14: BP4, BP7

NM_018052.5(VAC14):c.1761C>T (p.His587=)

Gene: VAC14 (VAC14 component of PIKFYVE complex; minus strand). Cytogenetic location: 16q22.1.
Variant type: single nucleotide variant.
Coding change: c.1761C>T on transcript NM_018052.5 (MANE Select); coding-DNA position 1761, C replaced by T.
Protein change: p.His587=; no amino-acid change (histidine 587 retained).
Molecular consequence: synonymous variant.
Genome position (GRCh38, 1-based): chr16:70,698,712, G>A on the plus strand (C>T on the coding strand, the complement: VAC14 is on the minus strand). VCF-style: chr16-70698712-G-A. GRCh37 (hg19) VCF-style: chr16-70732615-G-A.
Other names: c.1059C>T, p.His353= (NM_001351157.2).
Identifiers: ClinVar variation 1673634 (VCV001673634.33), dbSNP rs200282045, ClinGen allele CA8147529.